The following is an entry in ClinVar:

ClinVar aggregate classification (germline): Uncertain significance (1 of 4 stars; one submission).

Submission:

Labcorp Genetics (formerly Invitae), Labcorp
Classification: Uncertain significance. Last evaluated: 2024-12-23. Review status: criteria provided, single submitter. Criteria: Invitae Variant Classification Sherloc (09022015). Collection method: clinical testing. Allele origin: germline.
Comment: This sequence change replaces glutamine, which is neutral and polar, with leucine, which is neutral and non-polar, at codon 176 of the BICC1 protein (p.Gln176Leu). This variant is not present in population databases (gnomAD no frequency). This variant has not been reported in the literature in individuals affected with BICC1-related conditions. An algorithm developed to predict the effect of missense changes on protein structure and function (PolyPhen-2) suggests that this variant is likely to be tolerated. In summary, the available evidence is currently insufficient to determine the role of this variant in disease. Therefore, it has been classified as a Variant of Uncertain Significance.

NM_001080512.3(BICC1):c.527A>T (p.Gln176Leu)

Gene: BICC1 (BicC family RNA binding protein 1; plus strand). Cytogenetic location: 10q21.1.
Variant type: single nucleotide variant.
Coding change: c.527A>T on transcript NM_001080512.3 (MANE Select); coding-DNA position 527, A replaced by T.
Protein change: p.Gln176Leu; replaces glutamine 176 with leucine.
Molecular consequence: missense variant.
Genome position (GRCh38, 1-based): chr10:58,787,062, A>T. VCF-style: chr10-58787062-A-T. GRCh37 (hg19) VCF-style: chr10-60546822-A-T.
Other names: short protein forms Q176L.
Identifiers: ClinVar variation 3619607 (VCV003619607.2).